The following is an entry in ClinVar:

NM_015662.3(IFT172):c.3112G>A (p.Glu1038Lys)

Gene: IFT172 (intraflagellar transport 172; minus strand). Cytogenetic location: 2p23.3.
Variant type: single nucleotide variant.
Coding change: c.3112G>A on transcript NM_015662.3 (MANE Select); coding-DNA position 3112, G replaced by A.
Protein change: p.Glu1038Lys; replaces glutamic acid 1038 with lysine.
Molecular consequence: missense variant.
Genome position (GRCh38, 1-based): chr2:27,457,755, C>T on the plus strand (G>A on the coding strand, the complement: IFT172 is on the minus strand). VCF-style: chr2-27457755-C-T. GRCh37 (hg19) VCF-style: chr2-27680622-C-T.
Other names: c.3046G>A, p.Glu1016Lys (NM_001410739.1); short protein forms E1016K, E1038K.
Identifiers: ClinVar variation 1922127 (VCV001922127.5), dbSNP rs1666277342, ClinGen allele CA346380291.
Genomic context (GRCh38, chr2:27,457,755, plus strand): 5'-ATTCCTGGGCCTCGAGGTAGTGGTACTCAGCCTCCTGTAGTCGGCCTTCAGCCTCCAGCT[C>T]CTGCAGGAAGGTGAGTCAGGATGGAGAGATGGGGAGATGGAGCCTGGTTGGGGAAGAGAT-3'
Protein context (NP_056477.1, residues 1028-1048): LSDTHLHLGK[Glu1038Lys]LEAEGRLQEA

ClinVar aggregate classification (germline): Uncertain significance (1 of 4 stars; one submission).

Conditions:
Retinitis pigmentosa 71 (RP71). Identifiers: Orphanet 791, MedGen C4225342, MONDO:0014618, OMIM 616394.
Short-rib thoracic dysplasia 10 with or without polydactyly (SRTD10). Identifiers: Orphanet 474, MedGen C3810175, MONDO:0014284, OMIM 615630.

Submission:

Labcorp Genetics (formerly Invitae), Labcorp
Classification: Uncertain significance for Retinitis pigmentosa 71; Short-rib thoracic dysplasia 10 with or without polydactyly. Last evaluated: 2025-05-27. Review status: criteria provided, single submitter. Criteria: Invitae Variant Classification Sherloc (09022015). Collection method: clinical testing. Allele origin: germline.
Comment: This sequence change replaces glutamic acid, which is acidic and polar, with lysine, which is basic and polar, at codon 1038 of the IFT172 protein (p.Glu1038Lys). This variant is not present in population databases (gnomAD no frequency). This variant has not been reported in the literature in individuals affected with IFT172-related conditions. ClinVar contains an entry for this variant (Variation ID: 1922127). Invitae Evidence Modeling of protein sequence and biophysical properties (such as structural, functional, and spatial information, amino acid conservation, physicochemical variation, residue mobility, and thermodynamic stability) indicates that this missense variant is not expected to disrupt IFT172 protein function with a negative predictive value of 95%. Algorithms developed to predict the effect of sequence changes on RNA splicing suggest that this variant may create or strengthen a splice site. In summary, the available evidence is currently insufficient to determine the role of this variant in disease. Therefore, it has been classified as a Variant of Uncertain Significance.